The following is an entry in ClinVar:

ClinVar aggregate classification (germline): Uncertain significance. Review status: criteria provided, multiple submitters, no conflicts (2 of 4 stars). 2 submissions from 2 submitters: Uncertain significance (2). Last evaluated 2021-12-14.

Allele frequency attached by ClinVar (database versions not stated): gnomAD exomes below 0.00001.
gnomAD v4.1: 1 of 1,614,104 alleles (0.000062%); highest among the groups gnomAD compares: African/African-American, 0.0013%; no homozygotes.

Submissions (2):

GeneDx
Classification: Uncertain significance. Last evaluated: 2021-12-14. Review status: criteria provided, single submitter. Criteria: GeneDx Variant Classification Process June 2021. Collection method: clinical testing. Allele origin: germline. Affected: yes.
Comment: The majority of missense variants in this gene are considered pathogenic (Stenson et al., 2014); In silico analysis, which includes protein predictors and evolutionary conservation, supports that this variant does not alter protein structure/function; This substitution is predicted to be within the C-terminal cytoplasmic domain; Has not been previously published as pathogenic or benign to our knowledge; Not observed at significant frequency in large population cohorts (Lek et al., 2016)

Athena Diagnostics
Classification: Uncertain significance. Last evaluated: 2017-01-11. Review status: criteria provided, single submitter. Criteria: Athena Diagnostics Criteria. Collection method: clinical testing. Allele origin: germline.

NM_001040142.2(SCN2A):c.5493A>G (p.Ile1831Met)

Gene: SCN2A (sodium voltage-gated channel alpha subunit 2; plus strand). Cytogenetic location: 2q24.3.
Variant type: single nucleotide variant.
Coding change: c.5493A>G on transcript NM_001040142.2 (MANE Select); coding-DNA position 5493, A replaced by G.
Protein change: p.Ile1831Met; replaces isoleucine 1831 with methionine.
Molecular consequence: missense variant.
Genome position (GRCh38, 1-based): chr2:165,389,299, A>G. VCF-style: chr2-165389299-A-G. GRCh37 (hg19) VCF-style: chr2-166245809-A-G.
Other names: c.5493A>G, p.Ile1831Met (NM_001040143.2, NM_001371246.1, NM_001371247.1 and 1 more transcripts); short protein forms I1831M.
Identifiers: ClinVar variation 431830 (VCV000431830.5), dbSNP rs1553463680, ClinGen allele CA349039141.